The following is an entry in ClinVar:

NM_024721.5(ZFHX4):c.2622T>A (p.Leu874=)

Gene: ZFHX4 (zinc finger homeobox 4; plus strand). Cytogenetic location: 8q21.13.
Variant type: single nucleotide variant.
Coding change: c.2622T>A on transcript NM_024721.5 (MANE Select); coding-DNA position 2622, T replaced by A.
Protein change: p.Leu874=; no amino-acid change (leucine 874 retained).
Molecular consequence: synonymous variant. On other transcripts: intron variant (1).
Genome position (GRCh38, 1-based): chr8:76,707,577, T>A. VCF-style: chr8-76707577-T-A. GRCh37 (hg19) VCF-style: chr8-77619812-T-A.
Other names: c.2591-47T>A (NM_001410934.1).
Identifiers: ClinVar variation 3351135 (VCV003351135.1).

ClinVar aggregate classification (germline): Likely benign (0 of 4 stars; one submission).

Conditions:
ZFHX4-related disorder. Also called: ZFHX4-related condition.

gnomAD v4.1: 47 of 1,595,890 alleles (0.0029%); highest among the groups gnomAD compares: Non-Finnish European, 0.0038%; no homozygotes.

Submission:

PreventionGenetics, part of Exact Sciences
Classification: Likely benign for ZFHX4-related condition. Last evaluated: 2019-07-12. Review status: no assertion criteria provided. Collection method: clinical testing. Allele origin: germline.
Comment: This variant is classified as likely benign based on ACMG/AMP sequence variant interpretation guidelines (Richards et al. 2015 PMID: 25741868, with internal and published modifications).